The following is an entry in ClinVar:

NM_001371904.1(APOA5):c.899C>A (p.Thr300Asn)

Gene: APOA5 (apolipoprotein A5; minus strand). Cytogenetic location: 11q23.3.
Variant type: single nucleotide variant.
Coding change: c.899C>A on transcript NM_001371904.1 (MANE Select); coding-DNA position 899, C replaced by A.
Protein change: p.Thr300Asn; replaces threonine 300 with asparagine.
Molecular consequence: missense variant.
Genome position (GRCh38, 1-based): chr11:116,790,330, G>T on the plus strand (C>A on the coding strand, the complement: APOA5 is on the minus strand). VCF-style: chr11-116790330-G-T. GRCh37 (hg19) VCF-style: chr11-116661046-G-T.
Other names: c.899C>A, p.Thr300Asn (NM_001166598.2, NM_052968.5); short protein forms T300N.
Identifiers: ClinVar variation 3931757 (VCV003931757.1).

ClinVar aggregate classification (germline): Uncertain significance (1 of 4 stars; one submission).

Conditions:
Cardiovascular phenotype. Identifiers: MedGen CN230736.

gnomAD v4.1: 1 of 1,614,210 alleles (0.000062%); highest among the groups gnomAD compares: Non-Finnish European, 0.000085%; no homozygotes.

Submission:

Ambry Genetics
Classification: Uncertain significance for Cardiovascular phenotype. Last evaluated: 2025-06-07. Review status: criteria provided, single submitter. Criteria: Ambry Variant Classification Scheme 2023. Collection method: clinical testing. Allele origin: germline.
Comment: The p.T300N variant (also known as c.899C>A), located in coding exon 3 of the APOA5 gene, results from a C to A substitution at nucleotide position 899. The threonine at codon 300 is replaced by asparagine, an amino acid with similar properties. This amino acid position is conserved. In addition, this alteration is predicted to be tolerated by in silico analysis. Based on the available evidence, the clinical significance of this variant remains unclear.